The following is an entry in ClinVar:

NM_006828.4(ASCC3):c.4882C>T (p.Arg1628Ter)

Gene: ASCC3 (activating signal cointegrator 1 complex subunit 3; minus strand). Cytogenetic location: 6q16.3.
Variant type: single nucleotide variant.
Coding change: c.4882C>T on transcript NM_006828.4 (MANE Select); coding-DNA position 4882, C replaced by T.
Protein change: p.Arg1628Ter; replaces arginine 1628 with a stop codon.
Molecular consequence: nonsense.
Genome position (GRCh38, 1-based): chr6:100,606,992, G>A on the plus strand (C>T on the coding strand, the complement: ASCC3 is on the minus strand). VCF-style: chr6-100606992-G-A. GRCh37 (hg19) VCF-style: chr6-101054868-G-A.
Other names: short protein forms R1628*.
Identifiers: ClinVar variation 4982737 (VCV004982737.1).
Genomic context (GRCh38, chr6:100,606,992, plus strand): 5'-ACTGGAGAAAAAAAAGTACCTGAACTTTACAGTTTACAAATAGTTCCTCTACTGTTTTTC[G>A]GTCCCTCTCATGTAGTCCAGCATGATGCATTCCTATCCCGAAAGCAAGGGTCAGCTTGAG-3'

ClinVar aggregate classification (germline): Likely pathogenic (1 of 4 stars; one submission).

Conditions:
ASCC3-related condition.

gnomAD v4.1: 12 of 1,613,206 alleles (0.00074%); highest among the groups gnomAD compares: Middle Eastern, 0.016%; no homozygotes.

Submission:

PreventionGenetics, part of Exact Sciences
Classification: Likely pathogenic for ASCC3-related condition. Last evaluated: 2025-03-19. Review status: criteria provided, single submitter. Criteria: ACMG Guidelines, 2015. Collection method: clinical testing. Allele origin: germline.
Comment: The ASCC3 c.4882C>T variant is predicted to result in premature protein termination (p.Arg1628*). To our knowledge, this variant has not been reported in the literature or in a large population database (gnomAD), indicating this variant is rare. Nonsense variants in ASCC3 are expected to be pathogenic. This variant is interpreted as likely pathogenic.